The following is an entry in ClinVar:

NM_001792.5(CDH2):c.2150G>A (p.Gly717Asp)

Gene: CDH2 (cadherin 2; minus strand). Cytogenetic location: 18q12.1.
Variant type: single nucleotide variant.
Coding change: c.2150G>A on transcript NM_001792.5 (MANE Select); coding-DNA position 2150, G replaced by A.
Protein change: p.Gly717Asp; replaces glycine 717 with aspartic acid.
Molecular consequence: missense variant.
Genome position (GRCh38, 1-based): chr18:27,985,059, C>T on the plus strand (G>A on the coding strand, the complement: CDH2 is on the minus strand). VCF-style: chr18-27985059-C-T. GRCh37 (hg19) VCF-style: chr18-25565023-C-T.
Other names: c.2057G>A, p.Gly686Asp (NM_001308176.2); short protein forms G686D, G717D.
Identifiers: ClinVar variation 4608933 (VCV004608933.1).

ClinVar aggregate classification (germline): Uncertain significance (1 of 4 stars; one submission).

Conditions:
Inborn genetic diseases. Identifiers: MedGen C0950123, MeSH D030342.

gnomAD v4.1: 18 of 1,614,056 alleles (0.0011%); highest among the groups gnomAD compares: Non-Finnish European, 0.0015%; no homozygotes.

Submission:

Ambry Genetics
Classification: Uncertain significance for Inborn genetic diseases. Last evaluated: 2025-12-10. Review status: criteria provided, single submitter. Criteria: Ambry Variant Classification Scheme 2023. Collection method: clinical testing. Allele origin: germline.
Comment: The p.G717D variant (also known as c.2150G>A), located in coding exon 13 of the CDH2 gene, results from a G to A substitution at nucleotide position 2150. The glycine at codon 717 is replaced by aspartic acid, an amino acid with similar properties. This amino acid position is conserved. In addition, this alteration is predicted to be tolerated by in silico analysis. Based on the available evidence, the clinical significance of this variant remains unclear.